The following is an entry in ClinVar:

ClinVar aggregate classification (germline): Uncertain significance (1 of 4 stars; one submission).

Submission:

Ambry Genetics
Classification: Uncertain significance. Last evaluated: 2026-03-03. Review status: criteria provided, single submitter. Criteria: Ambry Variant Classification Scheme 2023. Collection method: clinical testing. Allele origin: germline.
Comment: The p.L1197F variant (also known as c.3589C>T), located in coding exon 32 of the KIF1B gene, results from a C to T substitution at nucleotide position 3589. The leucine at codon 1197 is replaced by phenylalanine, an amino acid with highly similar properties. This amino acid position is conserved. In addition, this alteration is predicted to be tolerated by in silico analysis. Based on the available evidence, the clinical significance of this variant remains unclear.

NM_001365951.3(KIF1B):c.3727C>T (p.Leu1243Phe)

Gene: KIF1B (kinesin family member 1B; plus strand). Cytogenetic location: 1p36.22.
Variant type: single nucleotide variant.
Coding change: c.3727C>T on transcript NM_001365951.3 (MANE Select); coding-DNA position 3727, C replaced by T.
Protein change: p.Leu1243Phe; replaces leucine 1243 with phenylalanine.
Molecular consequence: missense variant.
Genome position (GRCh38, 1-based): chr1:10,345,883, C>T. VCF-style: chr1-10345883-C-T. GRCh37 (hg19) VCF-style: chr1-10405941-C-T.
Other names: c.3727C>T, p.Leu1243Phe (NM_001365952.1); c.3589C>T, p.Leu1197Phe (NM_015074.3); short protein forms L1197F, L1243F.
Identifiers: ClinVar variation 4826090 (VCV004826090.1).